The following is an entry in ClinVar:

NM_000277.3(PAH):c.441+5G>T

Gene: PAH (phenylalanine hydroxylase; minus strand). Cytogenetic location: 12q23.2.
Variant type: single nucleotide variant.
Coding change: c.441+5G>T on transcript NM_000277.3 (MANE Select); 5 bases into the intron after coding-DNA position 441, G replaced by T.
Molecular consequence: intron variant.
Genome position (GRCh38, 1-based): chr12:102,877,457, C>A on the plus strand (G>T on the coding strand, the complement: PAH is on the minus strand). VCF-style: chr12-102877457-C-A. GRCh37 (hg19) VCF-style: chr12-103271235-C-A.
Other names: NM_000277.1(PAH):c.441+5G>T; c.441+5G>T (NM_001354304.2, NM_000277.2).
Identifiers: ClinVar variation 92742 (VCV000092742.79), dbSNP rs62507321, ClinGen allele CA273112.

ClinVar aggregate classification (germline): Pathogenic. Review status: reviewed by expert panel (3 of 4 stars). 21 submissions from 21 submitters: Pathogenic (1). 20 of the submissions do not count toward it. Last evaluated 2018-05-24.

Conditions:
PAH-related disorder. Also called: PAH-related condition.
Phenylketonuria (PKU). Also called: FOLLING DISEASE; Phenylketonuria (PKU); OLIGOPHRENIA PHENYLPYRUVICA; Phenylketonurias. Identifiers: Orphanet 716, MedGen C0031485, MONDO:0009861, OMIM 261600. Disease mechanism: loss of function.

Allele frequency attached by ClinVar (database versions not stated): gnomAD 0.00001; ESP Exome Variant Server 0.00015; gnomAD exomes 0.00003; ExAC 0.00004; TOPMed 0.00008.
gnomAD v4.1: 36 of 1,610,312 alleles (0.0022%); highest among the groups gnomAD compares: Middle Eastern, 0.033%; no homozygotes.

Submissions 1 to 14 of 21:

ClinGen PAH Variant Curation Expert Panel
Classification: Pathogenic for Phenylketonuria. Last evaluated: 2018-05-24. Review status: reviewed by expert panel. Criteria: ClinGen PAH ACMG Specifications v1. Collection method: curation. Allele origin: germline. Inheritance: Autosomal recessive inheritance.
Comment: The c.441+5G>T variant in PAH has been reported on >17 PKU alleles (BH4 deficiency excluded). (PP4_Moderate; PMID: 17935162; PMID: 23514811). This variant has an extremely low allele frequency (0.00002886) in gnomAD (PM2). This variant has 0% enzyme activity (PS3). This variant was detected in trans with IVS10-11g>a and p.V388M (Pathogenic in ClinVar) (PM3_Strong; PMID: 23514811). Computational prediction tools and conservation analysis suggest that the c.441+5G>T variant may impact the protein (PP3). In summary, this variant meets criteria to be classified as pathogenic for PAH. PAH-specific ACMG/AMP criteria applied: PP4_Moderate, PS3, PM3_Strong

CeGaT Center for Human Genetics Tuebingen
Classification: Pathogenic. Last evaluated: 2026-08-01. Review status: criteria provided, single submitter. Criteria: CeGaT Center For Human Genetics Tuebingen Variant Classification Criteria Version 2. Collection method: clinical testing. Allele origin: germline. Affected: yes. Observed: 5 variant alleles. Not counted in ClinVar's aggregate classification.
Comment: PAH: PM3:Very Strong, PM2, PP4:Moderate, PP3

Department of Molecular Genetics, Istishari Arab Hospital
Classification: Pathogenic for Phenylketonuria. Last evaluated: 2026-06-07. Review status: criteria provided, single submitter. Criteria: ACMG Guidelines, 2015. Collection method: clinical testing. Allele origin: germline. Inheritance: Autosomal recessive inheritance. Affected: yes. Not counted in ClinVar's aggregate classification.
Comment: The PAH variant c.441+5G>T is in close proximity to the highly conserved splice site and thus is expected to disrupt normal splicing. This variant is observed with very low frequency in the gnomAD v4.1.0 dataset (<0.001). This variant was previously reported in patients with Phenylketonuria (PMID: 31355225, 24296287, 28676969, 9429153, 34426522, 31589614, 33101986, 32778825, 33465300, 33375644, 24941924, 23514811, 25087612, 26481238, 27121329, 26666653). It is classified as pathogenic based on ACMG/AMP/ClinGen SVI guidelines.

Labcorp Genetics (formerly Invitae), Labcorp
Classification: Pathogenic for Phenylketonuria. Last evaluated: 2026-01-26. Review status: criteria provided, single submitter. Criteria: Invitae Variant Classification Sherloc (09022015). Collection method: clinical testing. Allele origin: germline. Not counted in ClinVar's aggregate classification.
Comment: This sequence change falls in intron 4 of the PAH gene. It does not directly change the encoded amino acid sequence of the PAH protein. It affects a nucleotide within the consensus splice site. This variant is present in population databases (rs62507321, gnomAD 0.01%). This variant has been observed in individual(s) with phenylketonuria or hyperphenylalaninemia (PMID: 9429153, 17502162, 23514811, 23764561, 24296287, 24368688, 24941924, 25596310, 26666653). In at least one individual the data is consistent with being in trans (on the opposite chromosome) from a pathogenic variant. ClinVar contains an entry for this variant (Variation ID: 92742). Variants that disrupt the consensus splice site are a relatively common cause of aberrant splicing (PMID: 17576681, 9536098). Algorithms developed to predict the effect of sequence changes on RNA splicing suggest that this variant may disrupt the consensus splice site. For these reasons, this variant has been classified as Pathogenic.

Natera, Inc.
Classification: Pathogenic for Phenylketonuria. Last evaluated: 2025-08-12. Review status: criteria provided, single submitter. Criteria: Natera Variant Classification Schema (03/2026). Collection method: clinical testing. Allele origin: germline. Not counted in ClinVar's aggregate classification.
Comment: The c.441+5G>T variant in PAH is an intronic variant located outside the canonical splice sites. This variant is rare in the general population with a frequency below the threshold expected for the associated phenotype(s). This variant has been observed in one or more individuals affected with the associated recessive disease, as either homozygous or compound heterozygous with a second variant (PMID: 24941924). Given the available evidence, this variant is classified as Pathogenic.

Revvity Omics, Revvity
Classification: Pathogenic for Phenylketonuria. Last evaluated: 2025-08-12. Review status: criteria provided, single submitter. Criteria: ACMG Guidelines, 2015. Collection method: clinical testing. Allele origin: germline. Not counted in ClinVar's aggregate classification.

Mayo Clinic Laboratories, Mayo Clinic
Classification: Pathogenic. Last evaluated: 2024-09-03. Review status: criteria provided, single submitter. Criteria: ACMG Guidelines, 2015. Collection method: clinical testing. Allele origin: germline. Observed: 3 variant alleles. Not counted in ClinVar's aggregate classification.
Comment: PP3, PM2_moderate, PM3_strong, PS3

Genomic Medicine Center of Excellence, King Faisal Specialist Hospital and Research Centre
Classification: Pathogenic for Phenylketonuria. Last evaluated: 2024-03-17. Review status: criteria provided, single submitter. Criteria: ACMG Guidelines, 2015. Collection method: research. Allele origin: germline. Not counted in ClinVar's aggregate classification.

Department of Human Genetics, Hannover Medical School
Classification: Pathogenic for Phenylketonuria. Last evaluated: 2023-09-18. Review status: criteria provided, single submitter. Criteria: ACMG Guidelines, 2015. Collection method: clinical testing. Allele origin: germline. Inheritance: Autosomal recessive inheritance. Affected: yes. Not counted in ClinVar's aggregate classification.

Blueprint Genetics
Classification: Pathogenic for PAH-related disorders. Last evaluated: 2023-06-16. Review status: criteria provided, single submitter. Criteria: ACMG Guidelines, 2015. Collection method: clinical testing. Allele origin: germline. Affected: yes. Observed: 5 variant alleles. Not counted in ClinVar's aggregate classification.

GeneDx
Classification: Pathogenic. Last evaluated: 2022-08-13. Review status: criteria provided, single submitter. Criteria: GeneDx Variant Classification Process June 2021. Collection method: clinical testing. Allele origin: germline. Affected: yes. Not counted in ClinVar's aggregate classification.
Comment: Many individuals with c.441+5 G>T and another PAH variant were not found to be responsive to tetrahydrobiopterin (BH4), but data are still unclear (Zurfluh et al., 2008; Jeannesson-Thivisol et al., 2015); Not observed at a significant frequency in large population cohorts (gnomAD); Intronic +5 splice site variant in a gene for which loss of function is a known mechanism of disease, and splice predictors support a deleterious effect; This variant is associated with the following publications: (PMID: 31355225, 24296287, 28676969, 9429153, 34426522, 31589614, 33101986, 32778825, 33465300, 33375644, 24941924, 23514811, 25087612, 26481238, 27121329, 26666653)

Laboratory for Molecular Medicine, Mass General Brigham Personalized Medicine
Classification: Pathogenic for Phenylketonuria. Last evaluated: 2022-06-30. Review status: criteria provided, single submitter. Criteria: ACMG Guidelines, 2015. Collection method: clinical testing. Allele origin: germline. Not counted in ClinVar's aggregate classification.
Comment: The c.441+5G>T variant in PAH has been reported in at least 20 individuals with phenylalanine hydroxylase deficiency including at least 12 compound heterozygotes (Zurflüh 2008 PMID: 17935162, Bueno 2013 PMID: 23514811), several of whom presented with classical phenylketonuria (PKU). It has also been identified in 0.0065% (1/15282) of Latino chromosomes by gnomAD. This variant has been reported in ClinVar as pathogenic by the ClinGen PAH Variant Curation Expert Panel using the . ACMG-AMP criteria specific for phenylalanine hydroxylase variants (Zastrow 2018 PMID: 30311390) and is curated in the FDA-recognized human genetic variant database (Variation ID 102784). Computational prediction tools and conservation analyses suggest that this variant may impact the protein, though this information is not predictive enough to determine pathogenicity. In vitro functional studies provide some evidence that this variant impacts protein function and decreases PAH activity to 0% (Bueno 2013 PMID: 23514811); however, these types of assays may not accurately represent biological function. In summary, this variant meets criteria to be classified as pathogenic for autosomal recessive phenylalanine hydroxylase deficiency. ACMG/AMP Criteria applied: PM2_Supporting, PP3, PP4_Moderate, PM3_VeryStrong, PS3

Fulgent Genetics
Classification: Pathogenic for Phenylketonuria. Last evaluated: 2022-04-04. Review status: criteria provided, single submitter. Criteria: ACMG Guidelines, 2015. Collection method: clinical testing. Allele origin: unknown. Not counted in ClinVar's aggregate classification.

3billion
Classification: Pathogenic for Phenylketonuria. Last evaluated: 2022-01-03. Review status: criteria provided, single submitter. Criteria: ACMG Guidelines, 2015. Collection method: clinical testing. Allele origin: germline. Affected: yes. Observed: 1 heterozygote. Not counted in ClinVar's aggregate classification.
Comment: The variant has been reported multiple times as an established pathogenic/likely pathogenic variant (ClinVar ID: VCV000092742). Functional studies provide strong evidence of the variant having a damaging effect on the gene or gene product (BioPKU, PS3_S). In silico prediction tools predicted that this variant influenced pre-mRNA splicing, resulting in aberrant splicing (SPLICEAI: 0.91>=0.8, PP3_P). It is observed at an extremely low frequency in the gnomAD v2.1.1 dataset (total allele frequency: 0.000032, PM2_M). Therefore, this variant is classified as pathogenic according to the recommendation of ACMG/AMP guideline.